The following is an entry in ClinVar:

ClinVar aggregate classification (germline): Pathogenic (1 of 4 stars; one submission).

gnomAD v4.1: 1 of 1,614,116 alleles (0.000062%); highest among the groups gnomAD compares: Admixed American, 0.0017%; no homozygotes.

Submission:

Labcorp Genetics (formerly Invitae), Labcorp
Classification: Pathogenic. Last evaluated: 2026-01-27. Review status: criteria provided, single submitter. Criteria: Invitae Variant Classification Sherloc (09022015). Collection method: clinical testing. Allele origin: germline.
Comment: This sequence change creates a premature translational stop signal (p.Tyr201*) in the CREB3L3 gene. It is expected to result in an absent or disrupted protein product. Loss-of-function variants in CREB3L3 are known to be pathogenic (PMID: 21666694, 26427795). This variant is not present in population databases (gnomAD no frequency). This variant has not been reported in the literature in individuals affected with CREB3L3-related conditions. ClinVar contains an entry for this variant (Variation ID: 1921534). For these reasons, this variant has been classified as Pathogenic.

Literature cited by the submitters: PubMed 21666694; PubMed 26427795.

NM_032607.3(CREB3L3):c.603C>A (p.Tyr201Ter)

Gene: CREB3L3 (cAMP responsive element binding protein 3 like 3; plus strand). Cytogenetic location: 19p13.3.
Variant type: single nucleotide variant.
Coding change: c.603C>A on transcript NM_032607.3 (MANE Select); coding-DNA position 603, C replaced by A.
Protein change: p.Tyr201Ter; replaces tyrosine 201 with a stop codon.
Molecular consequence: nonsense.
Genome position (GRCh38, 1-based): chr19:4,164,529, C>A. VCF-style: chr19-4164529-C-A. GRCh37 (hg19) VCF-style: chr19-4164526-C-A.
Other names: c.600C>A, p.Tyr200Ter (NM_001271995.2); c.597C>A, p.Tyr199Ter (NM_001271996.2); c.603C>A, p.Tyr201Ter (NM_001271997.2); short protein forms Y199*, Y201*, Y200*.
Identifiers: ClinVar variation 1921534 (VCV001921534.5), dbSNP rs1433306229, ClinGen allele CA403403348.